The following is an entry in ClinVar:

ClinVar aggregate classification (germline): Uncertain significance (1 of 4 stars; one submission).

Submission:

GeneDx
Classification: Uncertain significance. Last evaluated: 2024-03-25. Review status: criteria provided, single submitter. Criteria: GeneDx Variant Classification Process June 2021. Collection method: clinical testing. Allele origin: germline. Affected: yes.
Comment: Not observed at significant frequency in large population cohorts (gnomAD); In silico analysis supports that this missense variant has a deleterious effect on protein structure/function; Has not been previously published as pathogenic or benign to our knowledge

NM_000612.6(IGF2):c.65G>A (p.Cys22Tyr)

Genes: IGF2 (insulin like growth factor 2; minus strand), INS-IGF2 (INS-IGF2 readthrough; minus strand). Cytogenetic location: 11p15.5.
Variant type: single nucleotide variant.
Coding change: c.65G>A on transcript NM_000612.6 (MANE Select); coding-DNA position 65, G replaced by A.
Protein change: p.Cys22Tyr; replaces cysteine 22 with tyrosine.
Molecular consequence: missense variant. On other transcripts: non-coding transcript variant (1).
Genome position (GRCh38, 1-based): chr11:2,135,459, C>T on the plus strand (G>A on the coding strand, the complement: IGF2 is on the minus strand). VCF-style: chr11-2135459-C-T. GRCh37 (hg19) VCF-style: chr11-2156689-C-T.
Other names: c.65G>A, p.Cys22Tyr (NM_001007139.6, NM_001291861.3, NM_001291862.3); c.233G>A, p.Cys78Tyr (NM_001127598.3); short protein forms C22Y, C78Y.
Identifiers: ClinVar variation 3371601 (VCV003371601.1).